The following is an entry in ClinVar:

NM_001145809.2(MYH14):c.3322C>T (p.Arg1108Cys)

Gene: MYH14 (myosin heavy chain 14; plus strand). Cytogenetic location: 19q13.33.
Variant type: single nucleotide variant.
Coding change: c.3322C>T on transcript NM_001145809.2 (MANE Select); coding-DNA position 3322, C replaced by T.
Protein change: p.Arg1108Cys; replaces arginine 1108 with cysteine.
Molecular consequence: missense variant.
Genome position (GRCh38, 1-based): chr19:50,272,586, C>T. VCF-style: chr19-50272586-C-T. GRCh37 (hg19) VCF-style: chr19-50775843-C-T.
Other names: c.3223C>T, p.Arg1075Cys (NM_001077186.2); c.3199C>T, p.Arg1067Cys (NM_024729.4); short protein forms R1108C, R1067C, R1075C.
Identifiers: ClinVar variation 505047 (VCV000505047.7), dbSNP rs769702697, ClinGen allele CA309568174.
Genomic context (GRCh38, chr19:50,272,586, plus strand): 5'-AGTCCTCATGCACGGCCCCCACCCCTGCCTCCAGACCGCCTACGGAAGGAGGAGAAGGGT[C>T]GCCAGGAGCTGGAGAAGCTGAAGCGGAGGCTGGATGGGGAGAGCTCAGAGCTGCAGGAGC-3'
Protein context (NP_001139281.1, residues 1098-1118): EDRLRKEEKG[Arg1108Cys]QELEKLKRRL

ClinVar aggregate classification (germline): Uncertain significance. Review status: criteria provided, multiple submitters, no conflicts (2 of 4 stars). 3 submissions from 3 submitters: Uncertain significance (3). Last evaluated 2021-07-30.

Conditions:
Autosomal dominant nonsyndromic hearing loss 4A. Also called: Deafness, autosomal dominant 4A. Identifiers: Orphanet 90635, MedGen C1833503, MONDO:0010915, OMIM 600652.
Peripheral neuropathy-myopathy-hoarseness-hearing loss syndrome. Identifiers: Orphanet 397744, MedGen C3280556, MONDO:0013711, OMIM 614369.

Allele frequency attached by ClinVar (database versions not stated): gnomAD 0.00001; TOPMed 0.00001; gnomAD exomes 0.00002.
gnomAD v4.1: 23 of 1,578,682 alleles (0.0015%); highest among the groups gnomAD compares: East Asian, 0.0069%; no homozygotes.

Submissions (3):

Department of Pathology and Laboratory Medicine, Sinai Health System
Classification: Uncertain significance for Autosomal dominant nonsyndromic hearing loss 4A; Peripheral neuropathy-myopathy-hoarseness-hearing loss syndrome. Last evaluated: 2021-07-30. Review status: criteria provided, single submitter. Criteria: ACMG Guidelines, 2015. Collection method: research. Allele origin: germline.

GeneDx
Classification: Uncertain significance. Last evaluated: 2020-10-19. Review status: criteria provided, single submitter. Criteria: GeneDx Variant Classification Process June 2021. Collection method: clinical testing. Allele origin: germline. Affected: yes.
Comment: In silico analysis supports that this missense variant has a deleterious effect on protein structure/function; Has not been previously published as pathogenic or benign to our knowledge

Laboratory for Molecular Medicine, Mass General Brigham Personalized Medicine
Classification: Uncertain significance. Last evaluated: 2016-05-13. Review status: criteria provided, single submitter. Criteria: LMM Criteria. Collection method: clinical testing. Allele origin: germline. Observed: 1 variant allele.
Comment: The p.Arg1108Cys variant in MYH14 has not been previously reported in individual s with hearing loss. Data from large population studies are insufficient to asse ss the frequency of this variant in the general population. Computational predic tion tools and conservation analyses suggest that this variant may impact the pr otein, though this information is not predictive enough to determine pathogenici ty. In summary, the clinical significance of the p.Arg1108Cys variant is uncerta in.